The following is an entry in ClinVar:

ClinVar aggregate classification (germline): Benign. Review status: criteria provided, single submitter (1 of 4 stars). 2 submissions from 2 submitters: Benign (1). 1 of the submissions does not count toward it. Last evaluated 2024-10-24.

Conditions:
BPTF-related disorder. Also called: BPTF-related condition.

Submissions (2):

Labcorp Genetics (formerly Invitae), Labcorp
Classification: Benign. Last evaluated: 2024-10-24. Review status: criteria provided, single submitter. Criteria: Invitae Variant Classification Sherloc (09022015). Collection method: clinical testing. Allele origin: germline.

PreventionGenetics, part of Exact Sciences
Classification: Benign for BPTF-related condition. Last evaluated: 2020-05-11. Review status: no assertion criteria provided. Collection method: clinical testing. Allele origin: germline. Not counted in ClinVar's aggregate classification.
Comment: This variant is classified as benign based on ACMG/AMP sequence variant interpretation guidelines (Richards et al. 2015 PMID: 25741868, with internal and published modifications).

NM_182641.4(BPTF):c.1707_1712del (p.Asn569_Val570del)

Gene: BPTF (bromodomain PHD finger transcription factor; plus strand). Cytogenetic location: 17q24.2.
Variant type: Deletion.
Coding change: c.1707_1712del on transcript NM_182641.4 (MANE Select); coding-DNA positions 1707 to 1712, 6 bases deleted (TGTTAA; older notation c.1707_1712delTGTTAA).
Protein change: p.Asn569_Val570del.
Genome position (GRCh38, 1-based): chr17:67,874,863-67,874,868, TGTTAA deleted; deleting any 6 consecutive bases within chr17:67,874,860-67,874,868 gives the same sequence; the c. name uses the placement nearest the transcript's 3' end. VCF-style (leftmost placement, unchanged base first): chr17-67874859-ATAATGT-A. GRCh37 (hg19) VCF-style: chr17-65870975-ATAATGT-A.
Other names: c.1707_1712del, p.Asn569_Val570del (NM_004459.7).
Identifiers: ClinVar variation 3046691 (VCV003046691.4), dbSNP rs760372683, ClinGen allele CA8725208.